The following is an entry in ClinVar:

ClinVar aggregate classification (germline): Likely pathogenic (1 of 4 stars; one submission).

Submission:

Institute for Clinical Genetics, University Hospital TU Dresden, University Hospital TU Dresden
Classification: Likely pathogenic. Last evaluated: 2023-05-10. Review status: criteria provided, single submitter. Criteria: ACMG Guidelines, 2015. Collection method: clinical testing. Allele origin: maternal.
Comment: PVS1, PM2_SUP

NM_005045.4(RELN):c.3591_3592dup (p.Arg1198fs)

Gene: RELN (reelin; minus strand). Cytogenetic location: 7q22.1.
Variant type: Duplication.
Coding change: c.3591_3592dup on transcript NM_005045.4 (MANE Select); coding-DNA positions 3591 to 3592, 2 bases duplicated (CC; older notation c.3591_3592dupCC).
Protein change: p.Arg1198fs; shifts the reading frame from arginine 1198.
Molecular consequence: frameshift variant.
Genome position (GRCh38, 1-based): chr7:103,594,440-103,594,441, GG duplicated on the plus strand (CC on the coding strand, the reverse complement: RELN is on the minus strand). VCF-style (leftmost placement, unchanged base first): chr7-103594439-C-CGG. GRCh37 (hg19) VCF-style: chr7-103234886-C-CGG.
Other names: c.3591_3592dup, p.Arg1198fs (NM_173054.3); short protein forms R1198fs.
Identifiers: ClinVar variation 2576132 (VCV002576132.1), dbSNP rs2484794449, ClinGen allele CA2580615963.